The following is an entry in ClinVar:

ClinVar aggregate classification (germline): Uncertain significance (1 of 4 stars; one submission).

gnomAD v4.1: 6 of 1,614,116 alleles (0.00037%); highest among the groups gnomAD compares: Non-Finnish European, 0.00051%; no homozygotes.

Submission:

Labcorp Genetics (formerly Invitae), Labcorp
Classification: Uncertain significance. Last evaluated: 2025-10-21. Review status: criteria provided, single submitter. Criteria: Invitae Variant Classification Sherloc (09022015). Collection method: clinical testing. Allele origin: germline.
Comment: This sequence change replaces tyrosine, which is neutral and polar, with aspartic acid, which is acidic and polar, at codon 62 of the AFG3L2 protein (p.Tyr62Asp). This variant is present in population databases (rs374268503, gnomAD 0.0009%). This variant has not been reported in the literature in individuals affected with AFG3L2-related conditions. Invitae Evidence Modeling of protein sequence and biophysical properties (such as structural, functional, and spatial information, amino acid conservation, physicochemical variation, residue mobility, and thermodynamic stability) indicates that this missense variant is not expected to disrupt AFG3L2 protein function with a negative predictive value of 95%. In summary, the available evidence is currently insufficient to determine the role of this variant in disease. Therefore, it has been classified as a Variant of Uncertain Significance.

NM_006796.3(AFG3L2):c.184T>G (p.Tyr62Asp)

Gene: AFG3L2 (AFG3 like matrix AAA peptidase subunit 2; minus strand). Cytogenetic location: 18p11.21.
Variant type: single nucleotide variant.
Coding change: c.184T>G on transcript NM_006796.3 (MANE Select); coding-DNA position 184, T replaced by G.
Protein change: p.Tyr62Asp; replaces tyrosine 62 with aspartic acid.
Molecular consequence: missense variant.
Genome position (GRCh38, 1-based): chr18:12,371,622, A>C on the plus strand (T>G on the coding strand, the complement: AFG3L2 is on the minus strand). VCF-style: chr18-12371622-A-C. GRCh37 (hg19) VCF-style: chr18-12371621-A-C.
Other names: short protein forms Y62D.
Identifiers: ClinVar variation 4692119 (VCV004692119.1).